The following is an entry in ClinVar:

ClinVar aggregate classification (germline): Uncertain significance (1 of 4 stars; one submission).

Submission:

Ambry Genetics
Classification: Uncertain significance. Last evaluated: 2025-03-08. Review status: criteria provided, single submitter. Criteria: Ambry Variant Classification Scheme 2023. Collection method: clinical testing. Allele origin: germline.
Comment: The p.A89P variant (also known as c.265G>C), located in coding exon 1 of the WNK2 gene, results from a G to C substitution at nucleotide position 265. The alanine at codon 89 is replaced by proline, an amino acid with highly similar properties. This amino acid position is conserved. In addition, this alteration is predicted to be tolerated by in silico analysis. Based on the available evidence, the clinical significance of this variant remains unclear.

NM_006648.4(WNK2):c.265G>C (p.Ala89Pro)

Gene: WNK2 (WNK lysine deficient protein kinase 2; plus strand). Cytogenetic location: 9q22.31.
Variant type: single nucleotide variant.
Coding change: c.265G>C on transcript NM_006648.4 (MANE Select); coding-DNA position 265, G replaced by C.
Protein change: p.Ala89Pro; replaces alanine 89 with proline.
Molecular consequence: missense variant.
Genome position (GRCh38, 1-based): chr9:93,185,194, G>C. VCF-style: chr9-93185194-G-C. GRCh37 (hg19) VCF-style: chr9-95947476-G-C.
Other names: c.265G>C, p.Ala89Pro (NM_001282394.3); short protein forms A89P.
Identifiers: ClinVar variation 3817244 (VCV003817244.1).